The following is an entry in ClinVar:

ClinVar aggregate classification (germline): Uncertain significance. Review status: criteria provided, multiple submitters, no conflicts (2 of 4 stars). 2 submissions from 2 submitters: Uncertain significance (2). Last evaluated 2025-07-20.

Conditions:
Familial cold autoinflammatory syndrome 2 (FCAS2). Identifiers: Orphanet 247868, MedGen C2673198, MONDO:0012724, OMIM 611762.

Allele frequency attached by ClinVar (database versions not stated): gnomAD exomes below 0.00001; TOPMed below 0.00001; gnomAD 0.00001; ExAC 0.00002.

Submissions (2):

Labcorp Genetics (formerly Invitae), Labcorp
Classification: Uncertain significance for Familial cold autoinflammatory syndrome 2. Last evaluated: 2025-07-20. Review status: criteria provided, single submitter. Criteria: Invitae Variant Classification Sherloc (09022015). Collection method: clinical testing. Allele origin: germline.
Comment: This sequence change replaces threonine, which is neutral and polar, with methionine, which is neutral and non-polar, at codon 912 of the NLRP12 protein (p.Thr912Met). This variant is present in population databases (rs750086255, gnomAD 0.01%). This variant has not been reported in the literature in individuals affected with NLRP12-related conditions. ClinVar contains an entry for this variant (Variation ID: 2165190). An algorithm developed to predict the effect of missense changes on protein structure and function (PolyPhen-2) suggests that this variant is likely to be tolerated. In summary, the available evidence is currently insufficient to determine the role of this variant in disease. Therefore, it has been classified as a Variant of Uncertain Significance.

Laboratorio de Genetica e Diagnostico Molecular, Hospital Israelita Albert Einstein
Classification: Uncertain significance for Familial cold autoinflammatory syndrome 2. Last evaluated: 2023-02-12. Review status: criteria provided, single submitter. Criteria: ACMG Guidelines, 2015. Collection method: clinical testing. Allele origin: germline. Affected: yes.
Comment: ACMG classification criteria: PM2 moderated, BP4 supporting

NM_144687.4(NLRP12):c.2735C>T (p.Thr912Met)

Gene: NLRP12 (NLR family pyrin domain containing 12; minus strand). Cytogenetic location: 19q13.42.
Variant type: single nucleotide variant.
Coding change: c.2735C>T on transcript NM_144687.4 (MANE Select); coding-DNA position 2735, C replaced by T.
Protein change: p.Thr912Met; replaces threonine 912 with methionine.
Molecular consequence: missense variant.
Genome position (GRCh38, 1-based): chr19:53,801,248, G>A on the plus strand (C>T on the coding strand, the complement: NLRP12 is on the minus strand). VCF-style: chr19-53801248-G-A. GRCh37 (hg19) VCF-style: chr19-54304502-G-A.
Other names: c.2738C>T, p.Thr913Met (NM_001277126.2); c.2735C>T, p.Thr912Met (NM_001277129.1); short protein forms T913M, T912M.
Identifiers: ClinVar variation 2165190 (VCV002165190.6), dbSNP rs750086255, ClinGen allele CA9638948.
Genomic context (GRCh38, chr19:53,801,248, plus strand): 5'-GATTGGGACTCCTAGCGTGGTGAGCAAAACGGGACTCACCGCAGGGTCTGGAGCTTGCAC[G>A]TGGGATGCCTGAGGCCCTCACACAGCAGCAGCACCCCGAGGTCCCCCAGCTCATTCAGGC-3'
Protein context (NP_653288.1, residues 902-922): LLLCEGLRHP[Thr912Met]CKLQTLRLGI